The following is an entry in ClinVar:

ClinVar aggregate classification (germline): Uncertain significance. Review status: criteria provided, multiple submitters, no conflicts (2 of 4 stars). 2 submissions from 2 submitters: Uncertain significance (2). Last evaluated 2023-12-11.

Conditions:
Cardiovascular phenotype. Identifiers: MedGen CN230736.
Dilated cardiomyopathy 1W (CMD1W). Identifiers: Orphanet 154, MedGen C1969639, MONDO:0012667, OMIM 611407.

Submissions (2):

Labcorp Genetics (formerly Invitae), Labcorp
Classification: Uncertain significance for Dilated cardiomyopathy 1W. Last evaluated: 2023-12-11. Review status: criteria provided, single submitter. Criteria: Invitae Variant Classification Sherloc (09022015). Collection method: clinical testing. Allele origin: germline.
Comment: This sequence change replaces glutamine, which is neutral and polar, with arginine, which is basic and polar, at codon 674 of the VCL protein (p.Gln674Arg). This variant is not present in population databases (gnomAD no frequency). This variant has not been reported in the literature in individuals affected with VCL-related conditions. ClinVar contains an entry for this variant (Variation ID: 1784562). An algorithm developed to predict the effect of missense changes on protein structure and function (PolyPhen-2) suggests that this variant is likely to be disruptive. Algorithms developed to predict the effect of sequence changes on RNA splicing suggest that this variant may disrupt the consensus splice site. In summary, the available evidence is currently insufficient to determine the role of this variant in disease. Therefore, it has been classified as a Variant of Uncertain Significance.

Ambry Genetics
Classification: Uncertain significance for Cardiovascular phenotype. Last evaluated: 2020-03-23. Review status: criteria provided, single submitter. Criteria: Ambry Variant Classification Scheme 2023. Collection method: clinical testing. Allele origin: germline.
Comment: The p.Q674R variant (also known as c.2021A>G), located in coding exon 14 of the VCL gene, results from an A to G substitution at nucleotide position 2021. The glutamine at codon 674 is replaced by arginine, an amino acid with highly similar properties. This amino acid position is highly conserved in available vertebrate species. In addition, this alteration is predicted to be deleterious by in silico analysis. Since supporting evidence is limited at this time, the clinical significance of this alteration remains unclear.

NM_014000.3(VCL):c.2021A>G (p.Gln674Arg)

Gene: VCL (vinculin; plus strand). Cytogenetic location: 10q22.2.
Variant type: single nucleotide variant.
Coding change: c.2021A>G on transcript NM_014000.3 (MANE Select); coding-DNA position 2021, A replaced by G.
Protein change: p.Gln674Arg; replaces glutamine 674 with arginine.
Molecular consequence: missense variant.
Genome position (GRCh38, 1-based): chr10:74,101,096, A>G. VCF-style: chr10-74101096-A-G. GRCh37 (hg19) VCF-style: chr10-75860854-A-G.
Other names: c.2021A>G, p.Gln674Arg (NM_003373.4); short protein forms Q674R.
Identifiers: ClinVar variation 1784562 (VCV001784562.5), dbSNP rs2549229794, ClinGen allele CA377260968.